The following is an entry in ClinVar:

ClinVar aggregate classification (germline): Uncertain significance (1 of 4 stars; one submission).

Submission:

Ambry Genetics
Classification: Uncertain significance. Last evaluated: 2023-04-28. Review status: criteria provided, single submitter. Criteria: Ambry Variant Classification Scheme 2023. Collection method: clinical testing. Allele origin: germline.
Comment: The p.Q67R variant (also known as c.200A>G), located in coding exon 2 of the ALPK2 gene, results from an A to G substitution at nucleotide position 200. The glutamine at codon 67 is replaced by arginine, an amino acid with highly similar properties. This amino acid position is conserved. In addition, this alteration is predicted to be tolerated by in silico analysis. Since supporting evidence is limited at this time, the clinical significance of this alteration remains unclear.

NM_052947.4(ALPK2):c.200A>G (p.Gln67Arg)

Gene: ALPK2 (alpha kinase 2; minus strand). Cytogenetic location: 18q21.32.
Variant type: single nucleotide variant.
Coding change: c.200A>G on transcript NM_052947.4 (MANE Select); coding-DNA position 200, A replaced by G.
Protein change: p.Gln67Arg; replaces glutamine 67 with arginine.
Molecular consequence: missense variant.
Genome position (GRCh38, 1-based): chr18:58,607,349, T>C on the plus strand (A>G on the coding strand, the complement: ALPK2 is on the minus strand). VCF-style: chr18-58607349-T-C. GRCh37 (hg19) VCF-style: chr18-56274581-T-C.
Other names: short protein forms Q67R.
Identifiers: ClinVar variation 2564065 (VCV002564065.2), dbSNP rs2518912913, ClinGen allele CA402555793.